The following is an entry in ClinVar:

ClinVar aggregate classification (germline): Uncertain significance (1 of 4 stars; one submission).

Submission:

Women's Health and Genetics/Laboratory Corporation of America, LabCorp
Classification: Uncertain significance. Last evaluated: 2024-03-04. Review status: criteria provided, single submitter. Criteria: LabCorp Variant Classification Summary - May 2015. Collection method: clinical testing. Allele origin: germline.
Comment: Variant summary: COL18A1 c.107-12701delA is located at a position not widely known to affect splicing. However, in an alternative isoform (NM_130444.3), this variant is also known as c.11delA p.Tyr4SerfsX23. Consensus agreement among computation tools predict no significant impact on normal splicing. However, these predictions have yet to be confirmed by functional studies. The variant was absent in 279612 control chromosomes. The available data on variant occurrences in the general population are insufficient to allow any conclusion about variant significance. To our knowledge, no occurrence of c.107-12701delA in individuals affected with Knobloch Syndrome 1 and no experimental evidence demonstrating its impact on protein function have been reported. No submitters have cited clinical-significance assessments for this variant to ClinVar. Based on the evidence outlined above, the variant was classified as uncertain significance.

NM_001379500.1(COL18A1):c.107-12701del

Gene: COL18A1 (collagen type XVIII alpha 1 chain; plus strand). Cytogenetic location: 21q22.3.
Variant type: Deletion.
Coding change: c.107-12701del on transcript NM_001379500.1 (MANE Select); 12701 bases into the intron before coding-DNA position 107, one base deleted (A; older notation c.107-12701delA).
Molecular consequence: intron variant. On other transcripts: frameshift variant (2).
Genome position (GRCh38, 1-based): chr21:45,455,541, A deleted. VCF-style (leftmost placement, unchanged base first): chr21-45455540-TA-T. GRCh37 (hg19) VCF-style: chr21-46875454-TA-T.
Other names: c.11del, p.Tyr4fs (NM_030582.4, NM_130444.3); c.107-12701delA (NM_001379500.1); short protein forms Y4fs.
Identifiers: ClinVar variation 3233669 (VCV003233669.2), dbSNP rs2533718419, ClinGen allele CA2825002855.